The following is an entry in ClinVar:

NM_138704.4(NSMCE3):c.397C>A (p.Arg133Ser)

Genes: ENTREP2 (endosomal transmembrane epsin interactor 2; minus strand), NSMCE3 (NSE3 component of SMC5/6 complex; minus strand). Cytogenetic location: 15q13.1.
Variant type: single nucleotide variant.
Coding change: c.397C>A on transcript NM_138704.4 (MANE Select); coding-DNA position 397, C replaced by A.
Protein change: p.Arg133Ser; replaces arginine 133 with serine.
Molecular consequence: missense variant. On other transcripts: intron variant (5).
Genome position (GRCh38, 1-based): chr15:29,269,309, G>T on the plus strand (C>A on the coding strand, the complement: NSMCE3 is on the minus strand). VCF-style: chr15-29269309-G-T. GRCh37 (hg19) VCF-style: chr15-29561513-G-T.
Other names: c.-12-16831C>A (NM_001387217.1, NM_001387215.1, NM_001387216.1); c.277-16831C>A (NM_001387214.1, NM_015307.2); short protein forms R133S.
Identifiers: ClinVar variation 1046565 (VCV001046565.7), dbSNP rs758146372, ClinGen allele CA7446144.

ClinVar aggregate classification (germline): Uncertain significance. Review status: criteria provided, multiple submitters, no conflicts (2 of 4 stars). 2 submissions from 2 submitters: Uncertain significance (2). Last evaluated 2024-09-13.

Allele frequency attached by ClinVar (database versions not stated): ExAC 0.00001; TOPMed 0.00001.
gnomAD v4.1: 18 of 1,614,234 alleles (0.0011%); highest among the groups gnomAD compares: Admixed American, 0.013%; no homozygotes.

Submissions (2):

Blueprint Genetics
Classification: Uncertain significance. Last evaluated: 2024-09-13. Review status: criteria provided, single submitter. Criteria: ACMG Guidelines, 2015. Collection method: clinical testing. Allele origin: germline.

Labcorp Genetics (formerly Invitae), Labcorp
Classification: Uncertain significance. Last evaluated: 2021-08-28. Review status: criteria provided, single submitter. Criteria: Invitae Variant Classification Sherloc (09022015). Collection method: clinical testing. Allele origin: germline.
Comment: This sequence change replaces arginine with serine at codon 133 of the NSMCE3 protein (p.Arg133Ser). The arginine residue is moderately conserved and there is a moderate physicochemical difference between arginine and serine. This variant is present in population databases (rs758146372, ExAC 0.01%). This variant has not been reported in the literature in individuals affected with NSMCE3-related conditions. Algorithms developed to predict the effect of missense changes on protein structure and function are either unavailable or do not agree on the potential impact of this missense change (SIFT: "Tolerated"; PolyPhen-2: "Possibly Damaging"; Align-GVGD: "Class C0"). In summary, the available evidence is currently insufficient to determine the role of this variant in disease. Therefore, it has been classified as a Variant of Uncertain Significance.